The following is an entry in ClinVar:

ClinVar aggregate classification (germline): Pathogenic (1 of 4 stars; one submission).

Submission:

Athena Diagnostics
Classification: Pathogenic. Last evaluated: 2023-12-27. Review status: criteria provided, single submitter. Criteria: Athena Diagnostics Criteria. Collection method: clinical testing. Allele origin: unknown.
Comment: This variant is expected to result in the loss of a functional protein. This variant has been identified in at least one individual with clinical features associated with this gene. Frequency data for this variant in the general population cannot be distinguished from that of the SMN2 gene, and is therefore uninformative in assessment of variant pathogenicity (Genome Aggregation Database (gnomAD), Cambridge, MA (URL)).

Literature cited by the submitters: PubMed 33892995.

NM_000344.4(SMN1):c.188C>A (p.Ser63Ter)

Gene: SMN1 (survival of motor neuron 1, telomeric). Cytogenetic location: 5q13.2.
Variant type: single nucleotide variant.
Coding change: c.188C>A on transcript NM_000344.4 (MANE Select); coding-DNA position 188, C replaced by A.
Protein change: p.Ser63Ter; replaces serine 63 with a stop codon.
Molecular consequence: nonsense.
Genome position (GRCh38, 1-based): chr5:70,941,423, C>A. VCF-style: chr5-70941423-C-A. GRCh37 (hg19) VCF-style: chr5-70237250-C-A.
Other names: c.188C>A, p.Ser63Ter (NM_001297715.1, NM_022874.2); short protein forms S63*.
Identifiers: ClinVar variation 3571473 (VCV003571473.1).